The following is an entry in ClinVar:

ClinVar aggregate classification (germline): Likely pathogenic. Review status: criteria provided, single submitter (1 of 4 stars). 3 submissions from 3 submitters: Likely pathogenic (1). 2 of the submissions do not count toward it. Last evaluated 2022-02-02.

Conditions:
Intellectual developmental disorder, autosomal dominant 42. Also called: GNB1 Encephalopathy; Intellectual disability, autosomal dominant 42; Global developmental delay-neuro-ophthalmological abnormalities-seizures-intellectual disability syndrome. Identifiers: Orphanet 488613, MedGen C4310774, MONDO:0014855, OMIM 616973.
Neurodevelopmental Disability.
Seizure. Also called: Seizures. Identifiers: MedGen C0036572, HP:0001250.
Hypotonia. Also called: poor muscle tone; Muscular hypotonia. Identifiers: MedGen C0026827, HP:0001252.
Bilateral tonic-clonic seizure. Also called: Generalized tonic-clonic seizures. Identifiers: MedGen C0494475, HP:0002069.
Intellectual disability. Also called: Intellectual functioning disability; intellectual disabilities; Intellectual developmental disorder. Identifiers: MedGen C3714756, MeSH D008607, MONDO:0001071, HP:0001249.
Global developmental delay (DD). Also called: Cognitive delay. Identifiers: MedGen C0557874, HP:0001263. Disease mechanism: loss of function.

Submissions (3):

Victorian Clinical Genetics Services, Murdoch Childrens Research Institute
Classification: Likely pathogenic for Intellectual developmental disorder, autosomal dominant 42. Last evaluated: 2022-02-02. Review status: criteria provided, single submitter. Criteria: ACMG Guidelines, 2015. Collection method: clinical testing. Allele origin: germline. Inheritance: Autosomal dominant inheritance. Affected: yes.
Comment: Based on the classification scheme VCGS_Germline_v1.3.4, this variant is classified as Likely pathogenic. Following criteria are met: 0102 - Loss of function is a known mechanism of disease in this gene and is associated with GNB1-related neurodevelopmental disorder (MIM#616973). However, a dominant-negative disease mechanism has not been excluded (PMID: 28087732, 32918542). (I) 0107 - This gene is associated with autosomal dominant disease. (I) 0115 - Variants in this gene are known to have variable expressivity. Phenotypes reported to have variability include epilepsy/seizures and brain abnormalities (PMID: 32918542). (I) 0200 - Variant is predicted to result in a missense amino acid change from alanine to threonine. (I) 0251 - This variant is heterozygous. (I) 0301 - Variant is absent from gnomAD (both v2 and v3). (SP) 0502 - Missense variant with conflicting in silico predictions and uninformative conservation. (I) 0603 - Missense variant in a region that is highly intolerant to missense variation (high constraint region in DECIPHER). (SP) 0705 - No comparable missense variants have previous evidence for pathogenicity. (I) 0803 - This variant has limited previous evidence of pathogenicity in unrelated individuals. This variant has been observed in two individuals with GNB1-related conditions (PMIDs: 29694806, 27108799). (SP) 0905 - No published segregation evidence has been identified for this variant. (I) 1007 - No published functional evidence has been identified for this variant. (I) 1208 - Inheritance information for this variant is not currently available in this individual. (I) Legend: (SP) - Supporting pathogenic, (I) - Information, (SB) - Supporting benign

University of Washington Center for Mendelian Genomics, University of Washington
Classification: Likely pathogenic for Neurodevelopmental Disability; Hypotonia; Seizures. Last evaluated: 2016-05-05. Review status: no assertion criteria provided. Collection method: research. Allele origin: unknown. Affected: yes. Observed: 1 heterozygote. Not counted in ClinVar's aggregate classification.

Genomics And Bioinformatics Analysis Resource, Columbia University
Classification: Pathogenic for Global developmental delay; Hypotonia; Seizure; Intellectual disability; Bilateral tonic-clonic seizure. Last evaluated: 2016-02-10. Review status: no assertion criteria provided. Collection method: research. Allele origin: de novo. Affected: yes. Observed: 1 variant allele. Not counted in ClinVar's aggregate classification.

Literature cited by the submitters: PubMed 27108799 (cited by 3 submitters); PubMed 28087732 (cited by Victorian Clinical Genetics Services, Murdoch Childrens Research Institute); PubMed 29694806 (cited by Victorian Clinical Genetics Services, Murdoch Childrens Research Institute); PubMed 32918542 (cited by Victorian Clinical Genetics Services, Murdoch Childrens Research Institute).

NM_002074.5(GNB1):c.976G>A (p.Ala326Thr)

Gene: GNB1 (G protein subunit beta 1; minus strand). Cytogenetic location: 1p36.33.
Variant type: single nucleotide variant.
Coding change: c.976G>A on transcript NM_002074.5 (MANE Select); coding-DNA position 976, G replaced by A.
Protein change: p.Ala326Thr; replaces alanine 326 with threonine.
Molecular consequence: missense variant.
Genome position (GRCh38, 1-based): chr1:1,787,378, C>T on the plus strand (G>A on the coding strand, the complement: GNB1 is on the minus strand). VCF-style: chr1-1787378-C-T. GRCh37 (hg19) VCF-style: chr1-1718817-C-T.
Other names: c.676G>A, p.Ala226Thr (NM_001282538.2); c.976G>A, p.Ala326Thr (NM_001282539.2); short protein forms A326T, A226T.
Identifiers: ClinVar variation 224718 (VCV000224718.4), dbSNP rs869312826, ClinGen allele CA353569.